The following is an entry in ClinVar:

ClinVar aggregate classification (germline): Pathogenic (1 of 4 stars; one submission).

Conditions:
Leber congenital amaurosis 2 (LCA2). Also called: Autosomal Recessive RPE65-Related Retinal Degeneration; AMAUROSIS CONGENITA OF LEBER II. Identifiers: Orphanet 65, MedGen C1859844, MONDO:0008765, OMIM 204100. Disease mechanism: loss of function.
Retinitis pigmentosa 20 (RP20). Identifiers: Orphanet 791, MedGen C3151086, MONDO:0013425, OMIM 613794.

gnomAD v4.1: 2 of 1,614,178 alleles (0.00012%); highest among the groups gnomAD compares: Non-Finnish European, 0.00017%; no homozygotes.

Submission:

Labcorp Genetics (formerly Invitae), Labcorp
Classification: Pathogenic for Leber congenital amaurosis 2; Retinitis pigmentosa 20. Last evaluated: 2025-04-20. Review status: criteria provided, single submitter. Criteria: Invitae Variant Classification Sherloc (09022015). Collection method: clinical testing. Allele origin: germline.
Comment: This sequence change creates a premature translational stop signal (p.Tyr79*) in the RPE65 gene. It is expected to result in an absent or disrupted protein product. Loss-of-function variants in RPE65 are known to be pathogenic (PMID: 9326941, 9501220, 9843205, 18632300). This variant is not present in population databases (gnomAD no frequency). This variant has not been reported in the literature in individuals affected with RPE65-related conditions. For these reasons, this variant has been classified as Pathogenic.

Literature cited by the submitters: PubMed 9326941; PubMed 9501220; PubMed 9843205; PubMed 18632300.

NM_000329.3(RPE65):c.237C>A (p.Tyr79Ter)

Gene: RPE65 (retinoid isomerohydrolase RPE65; minus strand). Cytogenetic location: 1p31.3.
Variant type: single nucleotide variant.
Coding change: c.237C>A on transcript NM_000329.3 (MANE Select); coding-DNA position 237, C replaced by A.
Protein change: p.Tyr79Ter; replaces tyrosine 79 with a stop codon.
Molecular consequence: nonsense. On other transcripts: 5 prime UTR variant (1), intron variant (1).
Genome position (GRCh38, 1-based): chr1:68,446,718, G>T on the plus strand (C>A on the coding strand, the complement: RPE65 is on the minus strand). VCF-style: chr1-68446718-G-T. GRCh37 (hg19) VCF-style: chr1-68912401-G-T.
Other names: c.237C>A, p.Tyr79Ter (NM_001406853.1, NM_001406859.1, NM_001406860.1); c.-40C>A (NM_001406857.1); c.-31-1835C>A (NM_001406856.1); short protein forms Y79*.
Identifiers: ClinVar variation 4784773 (VCV004784773.1).